The following is an entry in ClinVar:

ClinVar aggregate classification (germline): Pathogenic (1 of 4 stars; one submission).

Conditions:
Hereditary cancer-predisposing syndrome. Also called: Hereditary Cancer Syndrome; Hereditary neoplastic syndrome; Tumor predisposition; Neoplastic Syndromes, Hereditary. Identifiers: Orphanet 140162, MedGen C0027672, MeSH D009386, MONDO:0015356.

Submission:

Ambry Genetics
Classification: Pathogenic for Hereditary cancer-predisposing syndrome. Last evaluated: 2015-05-02. Review status: criteria provided, single submitter. Criteria: Ambry Variant Classification Scheme 2023. Collection method: clinical testing. Allele origin: germline.
Comment: The c.246delG pathogenic mutation, located in coding exon 1 of the STK11 gene, results from a deletion of one nucleotide at nucleotide position 246, causing a translational frameshift with a predicted alternate stop codon. Since frameshifts are typically deleterious in nature, this alteration is interpreted as a disease-causing mutation (ACMG Recommendations for Standards for Interpretation and Reporting of Sequence Variations. Revision 2007. Genet Med. 2008;10:294).

NM_000455.5(STK11):c.246del (p.Lys83fs)

Gene: STK11 (serine/threonine kinase 11; plus strand). Cytogenetic location: 19p13.3.
Variant type: Deletion.
Coding change: c.246del on transcript NM_000455.5 (MANE Select); coding-DNA position 246, one base deleted (G; older notation c.246delG).
Protein change: p.Lys83fs; shifts the reading frame from lysine 83.
Molecular consequence: frameshift variant.
Genome position (GRCh38, 1-based): chr19:1,207,159, G deleted. VCF-style (leftmost placement, unchanged base first): chr19-1207158-AG-A. GRCh37 (hg19) VCF-style: chr19-1207157-AG-A.
Other names: c.246delG, p.Lys83Argfs (NM_001407255.1); short protein forms K83fs.
Identifiers: ClinVar variation 1791752 (VCV001791752.2), dbSNP rs2512921687, ClinGen allele CA2580096059.